The following is an entry in ClinVar:

NM_000337.6(SGCD):c.255C>G (p.Phe85Leu)

Gene: SGCD (sarcoglycan delta; plus strand). Cytogenetic location: 5q33.3.
Variant type: single nucleotide variant.
Coding change: c.255C>G on transcript NM_000337.6 (MANE Select); coding-DNA position 255, C replaced by G.
Protein change: p.Phe85Leu; replaces phenylalanine 85 with leucine.
Molecular consequence: missense variant.
Genome position (GRCh38, 1-based): chr5:156,508,663, C>G. VCF-style: chr5-156508663-C-G. GRCh37 (hg19) VCF-style: chr5-155935673-C-G.
Other names: c.252C>G, p.Phe84Leu (NM_001128209.2); c.255C>G, p.Phe85Leu (NM_172244.3); short protein forms F85L, F84L.
Identifiers: ClinVar variation 3440551 (VCV003440551.1).

ClinVar aggregate classification (germline): Uncertain significance (1 of 4 stars; one submission).

Conditions:
Inborn genetic diseases. Identifiers: MedGen C0950123, MeSH D030342.

gnomAD v4.1: 2 of 1,611,694 alleles (0.00012%); highest among the groups gnomAD compares: Non-Finnish European, 0.00017%; no homozygotes.

Submission:

Ambry Genetics
Classification: Uncertain significance for Inborn genetic diseases. Last evaluated: 2024-11-05. Review status: criteria provided, single submitter. Criteria: Ambry Variant Classification Scheme 2023. Collection method: clinical testing. Allele origin: germline.
Comment: The p.F85L variant (also known as c.255C>G), located in coding exon 3 of the SGCD gene, results from a C to G substitution at nucleotide position 255. The phenylalanine at codon 85 is replaced by leucine, an amino acid with highly similar properties. This amino acid position is conserved. In addition, this alteration is predicted to be deleterious by in silico analysis. Based on the available evidence, the clinical significance of this variant remains unclear.